The following is an entry in ClinVar:

NM_000136.3(FANCC):c.1361T>C (p.Leu454Pro)

Genes: AOPEP (aminopeptidase O (putative); plus strand), FANCC (FA complementation group C; minus strand). Cytogenetic location: 9q22.32.
Variant type: single nucleotide variant.
Coding change: c.1361T>C on transcript NM_000136.3 (MANE Select); coding-DNA position 1361, T replaced by C.
Protein change: p.Leu454Pro; replaces leucine 454 with proline.
Molecular consequence: missense variant.
Genome position (GRCh38, 1-based): chr9:95,107,238, A>G on the plus strand (T>C on the coding strand, the complement: FANCC is on the minus strand). VCF-style: chr9-95107238-A-G. GRCh37 (hg19) VCF-style: chr9-97869520-A-G.
Other names: c.1361T>C, p.Leu454Pro (NM_001243743.2); short protein forms L454P.
Identifiers: ClinVar variation 526362 (VCV000526362.11), dbSNP rs1554828451, ClinGen allele CA374106234.
Genomic context (GRCh38, chr9:95,107,238, plus strand): 5'-CCCTGTCCTGCTACCGTCTGCAGGTCCTGGGCTGAGAGGCTGCTGCTTCTGGACATTGCC[A>G]GGAGGTGGCCCAGCACGGCCTTCACCTGGACCTGGGCAATAGTATTTCACAGGGGAGAGG-3'
Protein context (NP_000127.2, residues 444-464): VQVKAVLGHL[Leu454Pro]AMSRSSSLSA

ClinVar aggregate classification (germline): Uncertain significance. Review status: criteria provided, multiple submitters, no conflicts (2 of 4 stars). 3 submissions from 3 submitters: Uncertain significance (2). 1 of the submissions does not count toward it. Last evaluated 2025-10-16.

Conditions:
Hereditary cancer-predisposing syndrome. Also called: Neoplastic Syndromes, Hereditary; Tumor predisposition; Hereditary Cancer Syndrome; Hereditary neoplastic syndrome. Identifiers: Orphanet 140162, MedGen C0027672, MeSH D009386, MONDO:0015356.
Fanconi anemia (FA). Also called: Fanconi's anemia. Identifiers: Orphanet 84, MedGen C0015625, MeSH D005199, MONDO:0019391.

Allele frequency attached by ClinVar (database versions not stated): gnomAD exomes below 0.00001.
gnomAD v4.1: 1 of 1,614,116 alleles (0.000062%); highest among the groups gnomAD compares: Non-Finnish European, 0.000085%; no homozygotes.

Submissions (3):

Ambry Genetics
Classification: Uncertain significance for Hereditary cancer-predisposing syndrome. Last evaluated: 2025-10-16. Review status: criteria provided, single submitter. Criteria: Ambry Variant Classification Scheme 2023. Collection method: clinical testing. Allele origin: germline.
Comment: The p.L454P variant (also known as c.1361T>C), located in coding exon 13 of the FANCC gene, results from a T to C substitution at nucleotide position 1361. The leucine at codon 454 is replaced by proline, an amino acid with similar properties. This amino acid position is conserved. In addition, this alteration is predicted to be tolerated by in silico analysis. Since supporting evidence is limited at this time, the clinical significance of this alteration remains unclear.

Labcorp Genetics (formerly Invitae), Labcorp
Classification: Uncertain significance for Fanconi anemia. Last evaluated: 2021-08-26. Review status: criteria provided, single submitter. Criteria: Invitae Variant Classification Sherloc (09022015). Collection method: clinical testing. Allele origin: germline.
Comment: This sequence change replaces leucine with proline at codon 454 of the FANCC protein (p.Leu454Pro). The leucine residue is moderately conserved and there is a moderate physicochemical difference between leucine and proline. This variant is not present in population databases (ExAC no frequency). This variant has not been reported in the literature in individuals affected with FANCC-related conditions. ClinVar contains an entry for this variant (Variation ID: 526362). Algorithms developed to predict the effect of missense changes on protein structure and function are either unavailable or do not agree on the potential impact of this missense change (SIFT: "Deleterious"; PolyPhen-2: "Benign"; Align-GVGD: "Class C0"). In summary, the available evidence is currently insufficient to determine the role of this variant in disease. Therefore, it has been classified as a Variant of Uncertain Significance.

Natera, Inc.
Classification: Uncertain significance for Fanconi anemia. Last evaluated: 2025-02-24. Review status: no assertion criteria provided. Collection method: clinical testing. Allele origin: germline. Not counted in ClinVar's aggregate classification.